The following is an entry in ClinVar:

NM_198173.3(GRHL3):c.1115del (p.Leu372fs)

Gene: GRHL3 (grainyhead like transcription factor 3; plus strand). Cytogenetic location: 1p36.11.
Variant type: Deletion.
Coding change: c.1115del on transcript NM_198173.3 (MANE Select); coding-DNA position 1115, one base deleted (T; older notation c.1115delT).
Protein change: p.Leu372fs; shifts the reading frame from leucine 372.
Molecular consequence: frameshift variant.
Genome position (GRCh38, 1-based): chr1:24,342,182, T deleted. VCF-style (leftmost placement, unchanged base first): chr1-24342181-CT-C. GRCh37 (hg19) VCF-style: chr1-24668671-CT-C.
Other names: c.977del, p.Leu326fs (NM_001195010.2); c.1130del, p.Leu377fs (NM_021180.4); c.1115del, p.Leu372fs (NM_198174.3); short protein forms L326fs, L372fs, L377fs.
Identifiers: ClinVar variation 3062261 (VCV003062261.1), dbSNP rs2522646617, ClinGen allele CA2644118698.
Genomic context (GRCh38, chr1:24,342,181, plus strand): 5'-ATCGGCGTAAACTGTCTGAGCACAGACTTTTCCTCACAAAAGGGGGTGAAGGGTGTCCCC[CT>C]GAACCTGCAGATTGACACCTATGACTGTGGCTTGGGCACTGAGCGCCTGGTACACCGTGC-3'

ClinVar aggregate classification (germline): Likely pathogenic (1 of 4 stars; one submission).

Conditions:
Van der Woude syndrome 2 (VWS2). Identifiers: Orphanet 888, MedGen C1847604, MONDO:0011712, OMIM 606713.

Allele frequency attached by ClinVar (database versions not stated): gnomAD exomes below 0.00001.

Submission:

Molecular Genetics Department, Kulakov National Medical Research Center for Obstetrics, Gynecology and Perinatology
Classification: Likely pathogenic for Van der Woude syndrome 2. Review status: criteria provided, single submitter. Criteria: ACMG Guidelines, 2015. Collection method: clinical testing. Allele origin: germline. Affected: yes.
Comment: A previously undescribed nucleotide variant creates a frameshift p.Leu372ArgfsTer117 in the GRHL3 gene. Loss-of-function variants are reported in patients with van der Woude syndrome 2, 606713. The variant is not present in population database (gnomAD no frequency). In summary, the currently available evidence indicates that the variant is pathogenic, but additional data are needed to prove that conclusively. Therefore, this variant has been classified as likely pathogenic.